The following is an entry in ClinVar:

NM_018979.4(WNK1):c.6800G>A (p.Arg2267Lys)

Gene: WNK1 (WNK lysine deficient protein kinase 1; plus strand). Cytogenetic location: 12p13.33.
Variant type: single nucleotide variant.
Coding change: c.6800G>A on transcript NM_018979.4 (MANE Select); coding-DNA position 6800, G replaced by A.
Protein change: p.Arg2267Lys; replaces arginine 2267 with lysine.
Molecular consequence: missense variant.
Genome position (GRCh38, 1-based): chr12:908,003, G>A. VCF-style: chr12-908003-G-A. GRCh37 (hg19) VCF-style: chr12-1017169-G-A.
Other names: c.7580G>A, p.Arg2527Lys (NM_001184985.2); c.6056G>A, p.Arg2019Lys (NM_014823.3); c.7556G>A, p.Arg2519Lys (NM_213655.5); short protein forms R2019K, R2519K, R2527K, R2267K.
Identifiers: ClinVar variation 3574165 (VCV003574165.2).

ClinVar aggregate classification (germline): Uncertain significance. Review status: criteria provided, multiple submitters, no conflicts (2 of 4 stars). 2 submissions from 2 submitters: Uncertain significance (2). Last evaluated 2025-12-13.

Conditions:
Neuropathy, hereditary sensory and autonomic, type 2A (HSAN2A). Also called: ACROOSTEOLYSIS, GIACCAI TYPE; ACROOSTEOLYSIS, NEUROGENIC; MORVAN DISEASE; NEUROPATHY, CONGENITAL SENSORY; NEUROPATHY, HEREDITARY SENSORY RADICULAR, AUTOSOMAL RECESSIVE; NEUROPATHY, HEREDITARY SENSORY, TYPE IIA. Identifiers: Orphanet 970, MedGen C2752089, MONDO:0024309, OMIM 201300.
Pseudohypoaldosteronism type 2C (PHA2C). Also called: Pseudohypoaldosteronism Type IIC. Identifiers: Orphanet 757, Orphanet 88940, MedGen C1840391, MONDO:0013778, OMIM 614492.

gnomAD v4.1: 1 of 1,614,154 alleles (0.000062%); highest among the groups gnomAD compares: Non-Finnish European, 0.000085%; no homozygotes.

Submissions (2):

Labcorp Genetics (formerly Invitae), Labcorp
Classification: Uncertain significance for Neuropathy, hereditary sensory and autonomic, type 2A; Pseudohypoaldosteronism type 2C. Last evaluated: 2025-12-13. Review status: criteria provided, single submitter. Criteria: Invitae Variant Classification Sherloc (09022015). Collection method: clinical testing. Allele origin: germline.
Comment: This sequence change replaces arginine, which is basic and polar, with lysine, which is basic and polar, at codon 2519 of the WNK1 protein (p.Arg2519Lys). This variant is not present in population databases (gnomAD no frequency). This variant has not been reported in the literature in individuals affected with WNK1-related conditions. ClinVar contains an entry for this variant (Variation ID: 3574165). Invitae Evidence Modeling of protein sequence and biophysical properties (such as structural, functional, and spatial information, amino acid conservation, physicochemical variation, residue mobility, and thermodynamic stability) indicates that this missense variant is not expected to disrupt WNK1 protein function with a negative predictive value of 95%. In summary, the available evidence is currently insufficient to determine the role of this variant in disease. Therefore, it has been classified as a Variant of Uncertain Significance.

Fulgent Genetics
Classification: Uncertain significance for Neuropathy, hereditary sensory and autonomic, type 2A; Pseudohypoaldosteronism type 2C. Last evaluated: 2024-04-18. Review status: criteria provided, single submitter. Criteria: ACMG Guidelines, 2015. Collection method: clinical testing. Allele origin: germline.